The following is an entry in ClinVar:

NM_001363711.2(DUOX2):c.1308G>A (p.Met436Ile)

Gene: DUOX2 (dual oxidase 2; minus strand). Cytogenetic location: 15q21.1.
Variant type: single nucleotide variant.
Coding change: c.1308G>A on transcript NM_001363711.2 (MANE Select); coding-DNA position 1308, G replaced by A.
Protein change: p.Met436Ile; replaces methionine 436 with isoleucine.
Molecular consequence: missense variant.
Genome position (GRCh38, 1-based): chr15:45,108,879, C>T on the plus strand (G>A on the coding strand, the complement: DUOX2 is on the minus strand). VCF-style: chr15-45108879-C-T. GRCh37 (hg19) VCF-style: chr15-45401077-C-T.
Other names: c.1308G>A, p.Met436Ile (NM_014080.5); c.1308G>A (NM_014080.4); short protein forms M436I.
Identifiers: ClinVar variation 1408326 (VCV001408326.9), dbSNP rs777851279, ClinGen allele CA7538660.

ClinVar aggregate classification (germline): Uncertain significance. Review status: criteria provided, multiple submitters, no conflicts (2 of 4 stars). 3 submissions from 3 submitters: Uncertain significance (3). Last evaluated 2025-08-19.

Conditions:
Inborn genetic diseases. Identifiers: MedGen C0950123, MeSH D030342.

Allele frequency attached by ClinVar (database versions not stated): ExAC 0.00002; gnomAD exomes 0.00002 and 0.00006; TOPMed 0.00012; gnomAD 0.00017 and 0.00019.
gnomAD v4.1: 55 of 1,614,114 alleles (0.0034%); highest among the groups gnomAD compares: Admixed American, 0.072%; no homozygotes.

Submissions (3):

Labcorp Genetics (formerly Invitae), Labcorp
Classification: Uncertain significance. Last evaluated: 2025-08-19. Review status: criteria provided, single submitter. Criteria: Invitae Variant Classification Sherloc (09022015). Collection method: clinical testing. Allele origin: germline.
Comment: This sequence change replaces methionine, which is neutral and non-polar, with isoleucine, which is neutral and non-polar, at codon 436 of the DUOX2 protein (p.Met436Ile). This variant is present in population databases (rs777851279, gnomAD 0.04%). This variant has not been reported in the literature in individuals affected with DUOX2-related conditions. ClinVar contains an entry for this variant (Variation ID: 1408326). Invitae Evidence Modeling of protein sequence and biophysical properties (such as structural, functional, and spatial information, amino acid conservation, physicochemical variation, residue mobility, and thermodynamic stability) indicates that this missense variant is not expected to disrupt DUOX2 protein function with a negative predictive value of 80%. In summary, the available evidence is currently insufficient to determine the role of this variant in disease. Therefore, it has been classified as a Variant of Uncertain Significance.

Blueprint Genetics
Classification: Uncertain significance. Last evaluated: 2024-11-05. Review status: criteria provided, single submitter. Criteria: ACMG Guidelines, 2015. Collection method: clinical testing. Allele origin: germline.

Ambry Genetics
Classification: Uncertain significance for Inborn genetic diseases. Last evaluated: 2024-05-12. Review status: criteria provided, single submitter. Criteria: Ambry Variant Classification Scheme 2023. Collection method: clinical testing. Allele origin: germline.